The following is an entry in ClinVar:

ClinVar aggregate classification (germline): Uncertain significance. Review status: criteria provided, multiple submitters, no conflicts (2 of 4 stars). 3 submissions from 3 submitters: Uncertain significance (2). 1 of the submissions does not count toward it. Last evaluated 2025-10-23.

Conditions:
Inborn genetic diseases. Identifiers: MedGen C0950123, MeSH D030342.
UMOD-related disorder. Also called: UMOD-related condition.

gnomAD v4.1: 6 of 1,614,192 alleles (0.00037%); highest among the groups gnomAD compares: South Asian, 0.0011%; no homozygotes.

Submissions (3):

Ambry Genetics
Classification: Uncertain significance for Inborn genetic diseases. Last evaluated: 2025-10-23. Review status: criteria provided, single submitter. Criteria: Ambry Variant Classification Scheme 2023. Collection method: clinical testing. Allele origin: germline.

Labcorp Genetics (formerly Invitae), Labcorp
Classification: Uncertain significance. Last evaluated: 2022-01-02. Review status: criteria provided, single submitter. Criteria: Invitae Variant Classification Sherloc (09022015). Collection method: clinical testing. Allele origin: germline.
Comment: In summary, the available evidence is currently insufficient to determine the role of this variant in disease. Therefore, it has been classified as a Variant of Uncertain Significance. Algorithms developed to predict the effect of missense changes on protein structure and function output the following: SIFT: "Tolerated"; PolyPhen-2: "Benign"; Align-GVGD: "Class C0". The methionine amino acid residue is found in multiple mammalian species, which suggests that this missense change does not adversely affect protein function. This variant has not been reported in the literature in individuals affected with UMOD-related conditions. This variant is present in population databases (no rsID available, gnomAD 0.003%). This sequence change replaces valine, which is neutral and non-polar, with methionine, which is neutral and non-polar, at codon 13 of the UMOD protein (p.Val13Met).

PreventionGenetics, part of Exact Sciences
Classification: Uncertain significance for UMOD-related condition. Last evaluated: 2024-04-08. Review status: no assertion criteria provided. Collection method: clinical testing. Allele origin: germline. Not counted in ClinVar's aggregate classification.
Comment: The UMOD c.37G>A variant is predicted to result in the amino acid substitution p.Val13Met. To our knowledge, this variant has not been reported in the literature. This variant is reported in 0.0029% of alleles in individuals of Latino descent in gnomAD. Of note, the p.Val13 residue is weakly conserved during evolution and at this position is a methionine (Met) in mouse, rat and northern white-cheeked gibbon. Although we suspect that this variant may be benign, at this time, the clinical significance of this variant is uncertain due to the absence of conclusive functional and genetic evidence.

NM_003361.4(UMOD):c.37G>A (p.Val13Met)

Gene: UMOD (uromodulin; minus strand). Cytogenetic location: 16p12.3.
Variant type: single nucleotide variant.
Coding change: c.37G>A on transcript NM_003361.4 (MANE Select); coding-DNA position 37, G replaced by A.
Protein change: p.Val13Met; replaces valine 13 with methionine.
Molecular consequence: missense variant. On other transcripts: non-coding transcript variant (1).
Genome position (GRCh38, 1-based): chr16:20,350,701, C>T on the plus strand (G>A on the coding strand, the complement: UMOD is on the minus strand). VCF-style: chr16-20350701-C-T. GRCh37 (hg19) VCF-style: chr16-20362023-C-T.
Other names: c.37G>A, p.Val13Met (NM_001008389.3, NM_001278614.2, NM_001378232.1 and 4 more transcripts); c.37G>A (NM_003361.3, NM_003361.2); short protein forms V13M.
Identifiers: ClinVar variation 1897181 (VCV001897181.7), dbSNP rs762556085, ClinGen allele CA394966988.